The following is an entry in ClinVar:

ClinVar aggregate classification (germline): Likely pathogenic (1 of 4 stars; one submission).

Conditions:
Autosomal recessive limb-girdle muscular dystrophy. Identifiers: Orphanet 102015, MedGen C2931907, MONDO:0015152.

Submission:

Myriad Genetics, Inc.
Classification: Likely pathogenic for Autosomal recessive limb-girdle muscular dystrophy. Last evaluated: 2022-01-23. Review status: criteria provided, single submitter. Criteria: Myriad Autosomal Dominant, Autosomal Recessive and X-Linked Classification Criteria (2023). Collection method: clinical testing. Allele origin: unknown.
Comment: NM_003494.3(DYSF):c.5176A>T(K1726*) is expected to be pathogenic in the context of dysferlinopathy. This variant is predicted to lead to an abnormal or absent protein product due to the creation of a premature termination codon in DYSF, a gene where loss-of-function variants are known to be pathogenic. Please note: this variant was assessed in the context of healthy population screening.

NM_001130987.2(DYSF):c.5293A>T (p.Lys1765Ter)

Gene: DYSF (dysferlin; plus strand). Cytogenetic location: 2p13.2.
Variant type: single nucleotide variant.
Coding change: c.5293A>T on transcript NM_001130987.2 (MANE Select); coding-DNA position 5293, A replaced by T.
Protein change: p.Lys1765Ter; replaces lysine 1765 with a stop codon.
Molecular consequence: nonsense.
Genome position (GRCh38, 1-based): chr2:71,665,280, A>T. VCF-style: chr2-71665280-A-T. GRCh37 (hg19) VCF-style: chr2-71892410-A-T.
Other names: c.5179A>T, p.Lys1727Ter (NM_001130455.2); c.5134A>T, p.Lys1712Ter (NM_001130976.2); c.5197A>T, p.Lys1733Ter (NM_001130977.2); c.5239A>T, p.Lys1747Ter (NM_001130978.2); c.5269A>T, p.Lys1757Ter (NM_001130979.2); c.5227A>T, p.Lys1743Ter (NM_001130980.2); c.5290A>T, p.Lys1764Ter (NM_001130981.2); c.5272A>T, p.Lys1758Ter (NM_001130982.2); and 5 more; short protein forms K1712*, K1713*, K1726*, K1727*, K1733*, K1734*, K1743*, K1744*.
Identifiers: ClinVar variation 1724006 (VCV001724006.3), dbSNP rs2094975847, ClinGen allele CA347221143.